The following is an entry in ClinVar:

Conditions:
Breast-ovarian cancer, familial, susceptibility to, 1 (BROVCA1). Also called: BRCA1 Hereditary Breast and Ovarian Cancer; OVARIAN CANCER, SUSCEPTIBILITY TO. Identifiers: Orphanet 145, MedGen C2676676, MONDO:0011450, OMIM 604370. Disease mechanism: loss of function.

Submission:

Brotman Baty Institute, University of Washington
No classification provided (evidence only). Condition: Breast-ovarian cancer, familial 1. Review status: no classification provided. Collection method: in vitro. Allele origin: not applicable. Functional consequence: functionally_abnormal.
ClinVar note: "not provided" was previously submitted as the classification for the variant. However, the classification appeared to be based only on an observation of functional data so it was converted to no classification on 2025-07-30.

NM_007294.4(BRCA1):c.5111T>G (p.Phe1704Cys)

Gene: BRCA1 (BRCA1 DNA repair associated; minus strand). Cytogenetic location: 17q21.31.
Variant type: single nucleotide variant.
Coding change: c.5111T>G on transcript NM_007294.4 (MANE Select); coding-DNA position 5111, T replaced by G.
Protein change: p.Phe1704Cys; replaces phenylalanine 1704 with cysteine.
Molecular consequence: missense variant. On other transcripts: non-coding transcript variant (1).
Genome position (GRCh38, 1-based): chr17:43,063,915, A>C on the plus strand (T>G on the coding strand, the complement: BRCA1 is on the minus strand). VCF-style: chr17-43063915-A-C. GRCh37 (hg19) VCF-style: chr17-41215932-A-C.
Other names: c.4898T>G, p.Phe1633Cys (NM_001407571.1, NM_001407894.1, NM_001407908.1 and 12 more transcripts); c.5177T>G, p.Phe1726Cys (NM_001407581.1, NM_001407582.1); c.5174T>G, p.Phe1725Cys (NM_001407583.1, NM_001407585.1, NM_001407587.1 and 1 more transcripts); c.5171T>G, p.Phe1724Cys (NM_001407590.1, NM_001407591.1); c.5111T>G, p.Phe1704Cys (NM_001407593.1, NM_001407684.1, NM_001407854.1 and 7 more transcripts); c.5108T>G, p.Phe1703Cys (NM_001407613.1, NM_001407614.1, NM_001407615.1 and 17 more transcripts); c.5105T>G, p.Phe1702Cys (NM_001407632.1, NM_001407633.1, NM_001407634.1 and 14 more transcripts); c.5033T>G, p.Phe1678Cys (NM_001407655.1, NM_001407653.1, NM_001407654.1); and 71 more; short protein forms F1657C, F1704C, F1725C, F600C, F1408C, F1550C, F1575C, F1615C.
Identifiers: ClinVar variation 864966 (VCV000864966.3), dbSNP rs1555578598, ClinGen allele CA10591306.